The following is an entry in ClinVar:

NM_002253.4(KDR):c.2270C>G (p.Ala757Gly)

Gene: KDR (kinase insert domain receptor; minus strand). Cytogenetic location: 4q12.
Variant type: single nucleotide variant.
Coding change: c.2270C>G on transcript NM_002253.4 (MANE Select); coding-DNA position 2270, C replaced by G.
Protein change: p.Ala757Gly; replaces alanine 757 with glycine.
Molecular consequence: missense variant.
Genome position (GRCh38, 1-based): chr4:55,098,800, G>C on the plus strand (C>G on the coding strand, the complement: KDR is on the minus strand). VCF-style: chr4-55098800-G-C. GRCh37 (hg19) VCF-style: chr4-55964967-G-C.
Other names: short protein forms A757G.
Identifiers: ClinVar variation 2348108 (VCV002348108.4), dbSNP rs566194394, ClinGen allele CA2924465.
Genomic context (GRCh38, chr4:55,098,800, plus strand): 5'-AACATGGCAATCACCGCCGTGCCTACTAGAATAATGATTTCCAAGTTCGTCTTTTCCTGG[G>C]CACCTGGAAAGACACAATTGAATGAGTATCAACAGTTGGAAACTTATACTTTTTGTTTGT-3'
Protein context (NP_002244.1, residues 747-767): KVEAFFIIEG[Ala757Gly]QEKTNLEIII

ClinVar aggregate classification (germline): Uncertain significance. Review status: criteria provided, multiple submitters, no conflicts (2 of 4 stars). 2 submissions from 2 submitters: Uncertain significance (2). Last evaluated 2025-08-14.

Conditions:
Capillary infantile hemangioma. Also called: HEMANGIOMA, HEREDITARY CAPILLARY; Hereditary capillary infantile hemangioma; Hemangioma, capillary infantile, somatic. Identifiers: MedGen C1865871, MONDO:0011191, OMIM 602089.

Allele frequency attached by ClinVar (database versions not stated): ExAC 0.00005; gnomAD 0.00007; gnomAD exomes 0.00007; 1000 Genomes Project 30x 0.00016; 1000 Genomes Project 0.00020.

Submissions (2):

Clinical Genomics Laboratory, Washington University in St. Louis
Classification: Uncertain significance for Capillary infantile hemangioma. Last evaluated: 2025-08-14. Review status: criteria provided, single submitter. Criteria: ACMG Guidelines, 2015. Collection method: clinical testing. Allele origin: germline.
Comment: A KDR c.2270C>G (p.Ala757Gly) variant was identified at a near heterozygous allelic fraction of 45.7%, a frequency which may be consistent with it being of germline origin. The KDR c.2270C>G (p.Ala757Gly) variant, to our knowledge, has not been reported in the medical literature. This variant has been reported in the ClinVar database of germline variant as variant of uncertain significance by one submitter (ClinVar ID: 2348108). Computational predictors are uncertain as to the impact of this variant on KDR function. Due to limited information, and based on ACMG/AMP guidelines for variant interpretation (Richards S et al., PMID: 25741868), the clinical significance of this variant is uncertain at this time.

Ambry Genetics
Classification: Uncertain significance. Last evaluated: 2024-08-07. Review status: criteria provided, single submitter. Criteria: Ambry Variant Classification Scheme 2023. Collection method: clinical testing. Allele origin: germline.